The following is an entry in ClinVar:

ClinVar aggregate classification (germline): Benign. Review status: criteria provided, multiple submitters, no conflicts (2 of 4 stars). 4 submissions from 4 submitters: Benign (4). Last evaluated 2026-02-04.

Conditions:
Kindler syndrome (KNDLRS). Also called: BULLOUS ACROKERATOTIC POIKILODERMA OF KINDLER AND WEARY; POIKILODERMA, CONGENITAL, WITH BULLAE, WEARY TYPE; POIKILODERMA, HEREDITARY ACROKERATOTIC; Hereditary acrokeratotic poikiloderma of Weary; Poikiloderma of Kindler; Congenital bullous poikiloderma. Identifiers: Orphanet 2908, Orphanet 306539, MedGen C0406557, MONDO:0008260, OMIM 173650.

Allele frequency attached by ClinVar (database versions not stated): 1000 Genomes Project 0.03215; 1000 Genomes Project 30x 0.03357; gnomAD 0.05130 and 0.05267; ExAC 0.05296; TOPMed 0.05328; gnomAD exomes 0.05442 and 0.06477; ESP Exome Variant Server 0.05567.
gnomAD v4.1: 102,246 of 1,607,144 alleles (6.4%); highest among the groups gnomAD compares: Middle Eastern, 12%; 3,765 homozygotes.

Submissions (4):

Labcorp Genetics (formerly Invitae), Labcorp
Classification: Benign. Last evaluated: 2026-02-04. Review status: criteria provided, single submitter. Criteria: Invitae Variant Classification Sherloc (09022015). Collection method: clinical testing. Allele origin: germline.

GeneDx
Classification: Benign. Last evaluated: 2018-11-11. Review status: criteria provided, single submitter. Criteria: GeneDx Variant Classification Process June 2021. Collection method: clinical testing. Allele origin: germline. Affected: yes.

Illumina Laboratory Services, Illumina
Classification: Benign for Kindler syndrome. Last evaluated: 2018-01-13. Review status: criteria provided, single submitter. Criteria: ICSL Variant Classification Criteria 13 December 2019. Collection method: clinical testing. Allele origin: germline.
Comment: This variant was observed in the ICSL laboratory as part of a predisposition screen in an ostensibly healthy population. It had not been previously curated by ICSL or reported in the Human Gene Mutation Database (HGMD: prior to June 1st, 2018), and was therefore a candidate for classification through an automated scoring system. Utilizing variant allele frequency, disease prevalence and penetrance estimates, and inheritance mode, an automated score was calculated to assess if this variant is too frequent to cause the disease. Based on the score and internal cut-off values, a variant classified as benign is not then subjected to further curation. The score for this variant resulted in a classification of benign for this disease.

Breakthrough Genomics
Classification: Benign. Review status: criteria provided, single submitter. Criteria: ACMG Guidelines, 2015. Collection method: not provided. Allele origin: germline. Inheritance: Autosomal recessive inheritance. Affected: yes.

NM_017671.5(FERMT1):c.1264+14A>G

Gene: FERMT1 (FERM domain containing kindlin 1; minus strand). Cytogenetic location: 20p12.3.
Variant type: single nucleotide variant.
Coding change: c.1264+14A>G on transcript NM_017671.5 (MANE Select); 14 bases into the intron after coding-DNA position 1264, A replaced by G.
Molecular consequence: intron variant.
Genome position (GRCh38, 1-based): chr20:6,088,951, T>C on the plus strand (A>G on the coding strand, the complement: FERMT1 is on the minus strand). VCF-style: chr20-6088951-T-C. GRCh37 (hg19) VCF-style: chr20-6069598-T-C.
Identifiers: ClinVar variation 339217 (VCV000339217.17), dbSNP rs111975159, ClinGen allele CA9758207.